The following is an entry in ClinVar:

NM_007254.4(PNKP):c.1285_1286delinsCT (p.Ala429Leu)

Gene: PNKP (polynucleotide kinase 3'-phosphatase; minus strand). Cytogenetic location: 19q13.33.
Variant type: Indel.
Coding change: c.1285_1286delinsCT on transcript NM_007254.4 (MANE Select); coding-DNA positions 1285 to 1286, GC replaced by CT.
Protein change: p.Ala429Leu; replaces alanine 429 with leucine.
Molecular consequence: missense variant.
Genome position (GRCh38, 1-based): chr19:49,861,784-49,861,785, GC replaced by AG on the plus strand (GC replaced by CT on the coding strand, the reverse complement: PNKP is on the minus strand). VCF-style: chr19-49861784-GC-AG. GRCh37 (hg19) VCF-style: chr19-50365041-GC-AG.
Other names: c.1285_1286delinsCT (NM_007254.3, NM_007254.2); short protein forms A429L.
Identifiers: ClinVar variation 566959 (VCV000566959.10), dbSNP rs1568659063, ClinGen allele CA891843760.
Genomic context (GRCh38, chr19:49,861,784, plus strand): 5'-CCCCGCCCACCCCGCCGCAGGCCACCTACGGCCCCGCGGTCACGCTACCTGGCGCGGCTC[GC>AG]GGCGTCTGGGTTTGTGTTGTCGATGGCGACCCGTTTCCCTTGCTTCAGGGCTGTCTCACA-3'
Protein context (NP_009185.2, residues 419-439): VAIDNTNPDA[Ala429Leu]SRARYVQCAR

ClinVar aggregate classification (germline): Uncertain significance. Review status: criteria provided, multiple submitters, no conflicts (2 of 4 stars). 2 submissions from 2 submitters: Uncertain significance (2). Last evaluated 2023-11-30.

Conditions:
Developmental and epileptic encephalopathy, 12 (DEE12). Identifiers: MedGen C3150988, MONDO:0013389, OMIM 613722.

Submissions (2):

GeneDx
Classification: Uncertain significance. Last evaluated: 2023-11-30. Review status: criteria provided, single submitter. Criteria: GeneDx Variant Classification Process June 2021. Collection method: clinical testing. Allele origin: germline. Affected: yes.
Comment: Not observed at significant frequency in large population cohorts (gnomAD); In silico analysis supports that this variant does not alter protein structure/function; Has not been previously published as pathogenic or benign to our knowledge; This variant is associated with the following publications: (PMID: 22508754)

Labcorp Genetics (formerly Invitae), Labcorp
Classification: Uncertain significance for Developmental and epileptic encephalopathy, 12. Last evaluated: 2022-06-14. Review status: criteria provided, single submitter. Criteria: Invitae Variant Classification Sherloc (09022015). Collection method: clinical testing. Allele origin: germline.
Comment: Information on the frequency of this variant in the gnomAD database is not available, as this variant may be reported differently in the database. This sequence change replaces alanine, which is neutral and non-polar, with leucine, which is neutral and non-polar, at codon 429 of the PNKP protein (p.Ala429Leu). This variant has not been reported in the literature in individuals affected with PNKP-related conditions. In summary, the available evidence is currently insufficient to determine the role of this variant in disease. Therefore, it has been classified as a Variant of Uncertain Significance. Algorithms developed to predict the effect of missense changes on protein structure and function output the following: SIFT: "Not Available"; PolyPhen-2: "Benign"; Align-GVGD: "Not Available". The leucine amino acid residue is found in multiple mammalian species, which suggests that this missense change does not adversely affect protein function. ClinVar contains an entry for this variant (Variation ID: 566959).